The following is an entry in ClinVar:

ClinVar aggregate classification (germline): Uncertain significance (1 of 4 stars; one submission).

Conditions:
Spondyloenchondrodysplasia with immune dysregulation (SPENCDI). Also called: COMBINED IMMUNODEFICIENCY WITH AUTOIMMUNITY AND SPONDYLOMETAPHYSEAL DYSPLASIA; ROIFMAN IMMUNOSKELETAL SYNDROME; SPONDYLOENCHONDRODYSPLASIA WITH OR WITHOUT IMMUNE DYSREGULATION. Identifiers: Orphanet 1855, MedGen C1842763, MONDO:0011939, OMIM 607944.

Allele frequency attached by ClinVar (database versions not stated): gnomAD 0.00001; gnomAD exomes 0.00001; TOPMed 0.00002.

Submission:

Labcorp Genetics (formerly Invitae), Labcorp
Classification: Uncertain significance for Spondyloenchondrodysplasia with immune dysregulation. Last evaluated: 2022-07-19. Review status: criteria provided, single submitter. Criteria: Invitae Variant Classification Sherloc (09022015). Collection method: clinical testing. Allele origin: germline.
Comment: This sequence change replaces glutamic acid, which is acidic and polar, with glycine, which is neutral and non-polar, at codon 301 of the ACP5 protein (p.Glu301Gly). The frequency data for this variant in the population databases is considered unreliable, as metrics indicate poor data quality at this position in the gnomAD database. This variant has not been reported in the literature in individuals affected with ACP5-related conditions. Algorithms developed to predict the effect of missense changes on protein structure and function are either unavailable or do not agree on the potential impact of this missense change (SIFT: "Not Available"; PolyPhen-2: "Benign"; Align-GVGD: "Not Available"). In summary, the available evidence is currently insufficient to determine the role of this variant in disease. Therefore, it has been classified as a Variant of Uncertain Significance.

NM_001611.5(ACP5):c.902A>G (p.Glu301Gly)

Gene: ACP5 (acid phosphatase 5, tartrate resistant; minus strand). Cytogenetic location: 19p13.2.
Variant type: single nucleotide variant.
Coding change: c.902A>G on transcript NM_001611.5 (MANE Select); coding-DNA position 902, A replaced by G.
Protein change: p.Glu301Gly; replaces glutamic acid 301 with glycine.
Molecular consequence: missense variant.
Genome position (GRCh38, 1-based): chr19:11,575,086, T>C on the plus strand (A>G on the coding strand, the complement: ACP5 is on the minus strand). VCF-style: chr19-11575086-T-C. GRCh37 (hg19) VCF-style: chr19-11685901-T-C.
Other names: c.902A>G, p.Glu301Gly (NM_001111034.3, NM_001111035.3, NM_001111036.3 and 1 more transcripts); short protein forms E301G.
Identifiers: ClinVar variation 1954076 (VCV001954076.2), dbSNP rs1184128520, ClinGen allele CA404145108.
Genomic context (GRCh38, chr19:11,575,086, plus strand): 5'-CTCGGCAGCCTGGTCTTAAAGAGGGACTTGCCCGAGGCCTCGATGTAAGTGACAGTCATC[T>C]CTTTGGAGCTGATCTCCACATAGGCAAAGCCACCCAGTGAGTCTTCAGTCCCATAGTGGA-3'
Protein context (NP_001602.1, residues 291-311): GFAYVEISSK[Glu301Gly]MTVTYIEASG